The following is an entry in ClinVar:

ClinVar aggregate classification (germline): Uncertain significance (1 of 4 stars; one submission).

Allele frequency attached by ClinVar (database versions not stated): gnomAD exomes below 0.00001 and 0.00002; gnomAD 0.00001; ExAC 0.00002; TOPMed 0.00003.
gnomAD v4.1: 6 of 1,205,946 alleles (0.0005%); highest among the groups gnomAD compares: East Asian, 0.015%; no homozygotes.

Submission:

Labcorp Genetics (formerly Invitae), Labcorp
Classification: Uncertain significance. Last evaluated: 2022-09-07. Review status: criteria provided, single submitter. Criteria: Invitae Variant Classification Sherloc (09022015). Collection method: clinical testing. Allele origin: germline.
Comment: In summary, the available evidence is currently insufficient to determine the role of this variant in disease. Therefore, it has been classified as a Variant of Uncertain Significance. Algorithms developed to predict the effect of missense changes on protein structure and function are either unavailable or do not agree on the potential impact of this missense change (SIFT: "Tolerated"; PolyPhen-2: "Probably Damaging"; Align-GVGD: "Class C0"). ClinVar contains an entry for this variant (Variation ID: 1683173). This variant has not been reported in the literature in individuals affected with PIH1D3-related conditions. This variant is present in population databases (rs780433586, gnomAD 0.02%), including at least one homozygous and/or hemizygous individual. This sequence change replaces lysine, which is basic and polar, with glutamic acid, which is acidic and polar, at codon 147 of the PIH1D3 protein (p.Lys147Glu).

NM_173494.2(DNAAF6):c.439A>G (p.Lys147Glu)

Gene: DNAAF6 (dynein axonemal assembly factor 6; plus strand). Cytogenetic location: Xq22.3.
Variant type: single nucleotide variant.
Coding change: c.439A>G on transcript NM_173494.2 (MANE Select); coding-DNA position 439, A replaced by G.
Protein change: p.Lys147Glu; replaces lysine 147 with glutamic acid.
Molecular consequence: missense variant.
Genome position (GRCh38, 1-based): chrX:107,238,931, A>G. VCF-style: chrX-107238931-A-G. GRCh37 (hg19) VCF-style: chrX-106482161-A-G.
Other names: c.439A>G, p.Lys147Glu (NM_001169154.2); short protein forms K147E.
Identifiers: ClinVar variation 1683173 (VCV001683173.6), dbSNP rs780433586, ClinGen allele CA10484686.